The following is an entry in ClinVar:

ClinVar aggregate classification (germline): Uncertain significance (1 of 4 stars; one submission).

Submission:

Women's Health and Genetics/Laboratory Corporation of America, LabCorp
Classification: Uncertain significance. Last evaluated: 2025-09-23. Review status: criteria provided, single submitter. Criteria: LabCorp Variant Classification Summary - May 2015. Collection method: clinical testing. Allele origin: germline.
Comment: Variant summary: The variant involves the duplication of exons 1-4 in the SLC30A10 gene. This duplication includes the entire coding sequence of the gene. As exact breakpoints are unknown, it may extend beyond the annotated region of the gene, to include other flanking genes. A presumed nomenclature of c.(?_-118)_(*5005_?)dup has been designated for the purposes of this classification. Similar variant allele was found at a frequency of 0.00041 in 21694 control chromosomes. The available data on variant occurrences in the general population are insufficient to allow any conclusion about variant significance. To our knowledge, no occurrence of c.(?_-118)_(*5005_?)dup in individuals affected with SLC30A10-related conditions and no experimental evidence demonstrating its impact on protein function have been reported. ClinVar contains an entry for this variant (Variation ID: 2426497). Based on the evidence outlined above, the variant was classified as uncertain significance.

NC_000001.10:g.(?_220083786)_(220101900_?)dup

Gene: SLC30A10 (solute carrier family 30 member 10; minus strand). Cytogenetic location: 1q41.
Variant type: Duplication.
Identifiers: ClinVar variation 4536062 (VCV004536062.1).